The following is an entry in ClinVar:

NM_033225.6(CSMD1):c.2108C>G (p.Pro703Arg)

Gene: CSMD1 (CUB and Sushi multiple domains 1; minus strand). Cytogenetic location: 8p23.2.
Variant type: single nucleotide variant.
Coding change: c.2108C>G on transcript NM_033225.6 (MANE Select); coding-DNA position 2108, C replaced by G.
Protein change: p.Pro703Arg; replaces proline 703 with arginine.
Molecular consequence: missense variant.
Genome position (GRCh38, 1-based): chr8:3,406,185, G>C on the plus strand (C>G on the coding strand, the complement: CSMD1 is on the minus strand). VCF-style: chr8-3406185-G-C. GRCh37 (hg19) VCF-style: chr8-3263707-G-C.
Other names: short protein forms P703R.
Identifiers: ClinVar variation 1898282 (VCV001898282.5), dbSNP rs377019385, ClinGen allele CA170703449.

ClinVar aggregate classification (germline): Uncertain significance (1 of 4 stars; one submission).

Allele frequency attached by ClinVar (database versions not stated): gnomAD 0.00001; ESP Exome Variant Server 0.00008.
gnomAD v4.1: 1 of 1,611,194 alleles (0.000062%); highest among the groups gnomAD compares: South Asian, 0.0011%; no homozygotes.

Submission:

Labcorp Genetics (formerly Invitae), Labcorp
Classification: Uncertain significance. Last evaluated: 2022-07-25. Review status: criteria provided, single submitter. Criteria: Invitae Variant Classification Sherloc (09022015). Collection method: clinical testing. Allele origin: germline.
Comment: In summary, the available evidence is currently insufficient to determine the role of this variant in disease. Therefore, it has been classified as a Variant of Uncertain Significance. Algorithms developed to predict the effect of missense changes on protein structure and function are either unavailable or do not agree on the potential impact of this missense change (SIFT: "Deleterious"; PolyPhen-2: "Probably Damaging"; Align-GVGD: "Class C0"). This variant has not been reported in the literature in individuals affected with CSMD1-related conditions. This variant is not present in population databases (gnomAD no frequency). This sequence change replaces proline, which is neutral and non-polar, with arginine, which is basic and polar, at codon 703 of the CSMD1 protein (p.Pro703Arg).